The following is an entry in ClinVar:

ClinVar aggregate classification (germline): Likely pathogenic. Review status: criteria provided, multiple submitters, no conflicts (2 of 4 stars). 2 submissions from 2 submitters: Likely pathogenic (2). Last evaluated 2022-09-01.

Conditions:
Eichsfeld type congenital muscular dystrophy (CMYO3). Also called: MYOPATHY, SEPN1-RELATED; Rigid spine muscular dystrophy 1; SELENON-related myopathy; Congenital myopathy 3 with rigid spine. Identifiers: MedGen C0410180, MONDO:0100100, OMIM 602771.

Submissions (2):

Labcorp Genetics (formerly Invitae), Labcorp
Classification: Likely pathogenic for Eichsfeld type congenital muscular dystrophy. Last evaluated: 2022-09-01. Review status: criteria provided, single submitter. Criteria: Invitae Variant Classification Sherloc (09022015). Collection method: clinical testing. Allele origin: germline.
Comment: Algorithms developed to predict the effect of sequence changes on RNA splicing suggest that this variant may disrupt the consensus splice site. In summary, the currently available evidence indicates that the variant is pathogenic, but additional data are needed to prove that conclusively. Therefore, this variant has been classified as Likely Pathogenic. ClinVar contains an entry for this variant (Variation ID: 931064). Disruption of this splice site has been observed in individual(s) with clinical features of SELENON-related conditions (Invitae). This variant is not present in population databases (gnomAD no frequency). This sequence change affects an acceptor splice site in intron 4 of the SELENON gene. It is expected to disrupt RNA splicing. Variants that disrupt the donor or acceptor splice site typically lead to a loss of protein function (PMID: 16199547), and loss-of-function variants in SELENON are known to be pathogenic (PMID: 21131290, 21670436).

Centre for Mendelian Genomics, University Medical Centre Ljubljana
Classification: Likely pathogenic. Last evaluated: 2016-01-01. Review status: criteria provided, single submitter. Criteria: ACMG Guidelines, 2015. Collection method: clinical testing. Allele origin: unknown. Affected: yes.
Comment: This variant was classified as: Likely pathogenic. The following ACMG criteria were applied in classifying this variant: PVS1,PM2.

Literature cited by the submitters: PubMed 16199547 (cited by Labcorp Genetics (formerly Invitae), Labcorp); PubMed 21131290 (cited by Labcorp Genetics (formerly Invitae), Labcorp); PubMed 21670436 (cited by Labcorp Genetics (formerly Invitae), Labcorp).

NM_206926.2(SELENON):c.436-1G>A

Gene: SELENON (selenoprotein N; plus strand). Cytogenetic location: 1p36.11.
Variant type: single nucleotide variant.
Coding change: c.436-1G>A on transcript NM_206926.2 (MANE Select); the canonical splice acceptor site of the intron before coding-DNA position 436, G replaced by A.
Molecular consequence: splice acceptor variant.
Genome position (GRCh38, 1-based): chr1:25,808,579, G>A. VCF-style: chr1-25808579-G-A. GRCh37 (hg19) VCF-style: chr1-26135070-G-A.
Other names: c.538-1G>A (NM_020451.3).
Identifiers: ClinVar variation 931064 (VCV000931064.12), dbSNP rs2047928865, ClinGen allele CA339111336.
Genomic context (GRCh38, chr1:25,808,579, plus strand): 5'-GTACAGGAGACCCCGGAGTCAGGTTCTCAGATTCCTGGAGCTTTGCTTTCCCCCGCCCCA[G>A]GTCTCCCGCCTCGCCCTGTCCGGCCTCCGAAACTGGACAGCCGCCGCCTCACCAAGTGCA-3'